The following is an entry in ClinVar:

ClinVar aggregate classification (germline): Uncertain significance. Review status: criteria provided, multiple submitters, no conflicts (2 of 4 stars). 2 submissions from 2 submitters: Uncertain significance (2). Last evaluated 2024-10-15.

Conditions:
Hereditary cancer-predisposing syndrome. Also called: Hereditary neoplastic syndrome; Neoplastic Syndromes, Hereditary; Tumor predisposition; Hereditary Cancer Syndrome. Identifiers: Orphanet 140162, MedGen C0027672, MeSH D009386, MONDO:0015356.

Submissions (2):

Labcorp Genetics (formerly Invitae), Labcorp
Classification: Uncertain significance. Last evaluated: 2024-10-15. Review status: criteria provided, single submitter. Criteria: Invitae Variant Classification Sherloc (09022015). Collection method: clinical testing. Allele origin: germline.
Comment: This sequence change replaces isoleucine, which is neutral and non-polar, with valine, which is neutral and non-polar, at codon 64 of the POLE protein (p.Ile64Val). This variant is not present in population databases (gnomAD no frequency). This variant has not been reported in the literature in individuals affected with POLE-related conditions. ClinVar contains an entry for this variant (Variation ID: 836213). Invitae Evidence Modeling of protein sequence and biophysical properties (such as structural, functional, and spatial information, amino acid conservation, physicochemical variation, residue mobility, and thermodynamic stability) indicates that this missense variant is not expected to disrupt POLE protein function with a negative predictive value of 80%. In summary, the available evidence is currently insufficient to determine the role of this variant in disease. Therefore, it has been classified as a Variant of Uncertain Significance.

Ambry Genetics
Classification: Uncertain significance for Hereditary cancer-predisposing syndrome. Last evaluated: 2024-01-27. Review status: criteria provided, single submitter. Criteria: Ambry Variant Classification Scheme 2023. Collection method: clinical testing. Allele origin: germline.
Comment: The p.I64V variant (also known as c.190A>G), located in coding exon 2 of the POLE gene, results from an A to G substitution at nucleotide position 190. The isoleucine at codon 64 is replaced by valine, an amino acid with highly similar properties. This amino acid position is conserved. In addition, this alteration is predicted to be tolerated by in silico analysis. Based on the available evidence, the clinical significance of this alteration remains unclear.

NM_006231.4(POLE):c.190A>G (p.Ile64Val)

Gene: POLE (DNA polymerase epsilon, catalytic subunit; minus strand). Cytogenetic location: 12q24.33.
Variant type: single nucleotide variant.
Coding change: c.190A>G on transcript NM_006231.4 (MANE Select); coding-DNA position 190, A replaced by G.
Protein change: p.Ile64Val; replaces isoleucine 64 with valine.
Molecular consequence: missense variant.
Genome position (GRCh38, 1-based): chr12:132,681,152, T>C on the plus strand (A>G on the coding strand, the complement: POLE is on the minus strand). VCF-style: chr12-132681152-T-C. GRCh37 (hg19) VCF-style: chr12-133257738-T-C.
Other names: c.190A>G (NM_006231.2); short protein forms I64V.
Identifiers: ClinVar variation 836213 (VCV000836213.10), dbSNP rs2043158076, ClinGen allele CA387369676.